The following is an entry in ClinVar:

NM_015570.4(AUTS2):c.2335G>A (p.Asp779Asn)

Gene: AUTS2 (activator of transcription and developmental regulator AUTS2; plus strand). Cytogenetic location: 7q11.22.
Variant type: single nucleotide variant.
Coding change: c.2335G>A on transcript NM_015570.4 (MANE Select); coding-DNA position 2335, G replaced by A.
Protein change: p.Asp779Asn; replaces aspartic acid 779 with asparagine.
Molecular consequence: missense variant.
Genome position (GRCh38, 1-based): chr7:70,787,235, G>A. VCF-style: chr7-70787235-G-A. GRCh37 (hg19) VCF-style: chr7-70252221-G-A.
Other names: c.2263G>A, p.Asp755Asn (NM_001127231.3); short protein forms D755N, D779N.
Identifiers: ClinVar variation 1220102 (VCV001220102.9), dbSNP rs147106727, ClinGen allele CA160012383.

ClinVar aggregate classification (germline): Conflicting classifications of pathogenicity. Review status: criteria provided, conflicting classifications (1 of 4 stars). 3 submissions from 3 submitters: Uncertain significance (2); Likely benign (1). Last evaluated 2023-09-20.

Conditions:
Inborn genetic diseases. Identifiers: MedGen C0950123, MeSH D030342.

Allele frequency attached by ClinVar (database versions not stated): gnomAD 0.00001; gnomAD exomes 0.00001 and 0.00005; TOPMed 0.00001; ESP Exome Variant Server 0.00015.
gnomAD v4.1: 72 of 1,614,038 alleles (0.0045%); highest among the groups gnomAD compares: Non-Finnish European, 0.0059%; no homozygotes.

Submissions (3):

Ambry Genetics
Classification: Uncertain significance for Inborn genetic diseases. Last evaluated: 2023-09-20. Review status: criteria provided, single submitter. Criteria: Ambry Variant Classification Scheme 2023. Collection method: clinical testing. Allele origin: germline.

Labcorp Genetics (formerly Invitae), Labcorp
Classification: Uncertain significance. Last evaluated: 2022-04-28. Review status: criteria provided, single submitter. Criteria: Invitae Variant Classification Sherloc (09022015). Collection method: clinical testing. Allele origin: germline.
Comment: In summary, the available evidence is currently insufficient to determine the role of this variant in disease. Therefore, it has been classified as a Variant of Uncertain Significance. Algorithms developed to predict the effect of missense changes on protein structure and function are either unavailable or do not agree on the potential impact of this missense change (SIFT: "Deleterious"; PolyPhen-2: "Possibly Damaging"; Align-GVGD: "Class C0"). ClinVar contains an entry for this variant (Variation ID: 1220102). This variant has not been reported in the literature in individuals affected with AUTS2-related conditions. This variant is present in population databases (rs147106727, gnomAD 0.0009%). This sequence change replaces aspartic acid, which is acidic and polar, with asparagine, which is neutral and polar, at codon 779 of the AUTS2 protein (p.Asp779Asn).

GeneDx
Classification: Likely benign. Last evaluated: 2020-02-14. Review status: criteria provided, single submitter. Criteria: GeneDx Variant Classification Process June 2021. Collection method: clinical testing. Allele origin: germline. Affected: yes.
Comment: In silico analysis, which includes protein predictors and evolutionary conservation, supports a deleterious effect; Missense variant in a gene in which most reported pathogenic variants are truncating/loss-of-function; Has not been previously published as pathogenic or benign to our knowledge